The following is an entry in ClinVar:

ClinVar aggregate classification (germline): Uncertain significance. Review status: criteria provided, multiple submitters, no conflicts (2 of 4 stars). 3 submissions from 3 submitters: Uncertain significance (3). Last evaluated 2024-02-12.

Conditions:
Inborn genetic diseases. Identifiers: MedGen C0950123, MeSH D030342.
Hyperphosphatasia with impaired intellectual development syndrome 2. Also called: Hyperphosphatasia with intellectual disability syndrome 2; GLYCOSYLPHOSPHATIDYLINOSITOL BIOSYNTHESIS DEFECT 6. Identifiers: Orphanet 247262, MedGen C3553637, MONDO:0013882, OMIM 614749.

Allele frequency attached by ClinVar (database versions not stated): TOPMed 0.00001; gnomAD 0.00001; gnomAD exomes 0.00002; ExAC 0.00002.
gnomAD v4.1: 28 of 1,614,108 alleles (0.0017%); highest among the groups gnomAD compares: East Asian, 0.011%; no homozygotes.

Submissions (3):

Ambry Genetics
Classification: Uncertain significance for Inborn genetic diseases. Last evaluated: 2024-02-12. Review status: criteria provided, single submitter. Criteria: Ambry Variant Classification Scheme 2023. Collection method: clinical testing. Allele origin: germline.

GeneDx
Classification: Uncertain significance. Last evaluated: 2022-12-09. Review status: criteria provided, single submitter. Criteria: GeneDx Variant Classification Process June 2021. Collection method: clinical testing. Allele origin: germline. Affected: yes.
Comment: Not observed at significant frequency in large population cohorts (gnomAD); In silico analysis supports that this missense variant has a deleterious effect on protein structure/function; Has not been previously published as pathogenic or benign to our knowledge

Labcorp Genetics (formerly Invitae), Labcorp
Classification: Uncertain significance for Hyperphosphatasia with impaired intellectual development syndrome 2. Last evaluated: 2022-11-01. Review status: criteria provided, single submitter. Criteria: Invitae Variant Classification Sherloc (09022015). Collection method: clinical testing. Allele origin: germline.
Comment: This sequence change replaces arginine, which is basic and polar, with tryptophan, which is neutral and slightly polar, at codon 999 of the PIGO protein (p.Arg999Trp). In summary, the available evidence is currently insufficient to determine the role of this variant in disease. Therefore, it has been classified as a Variant of Uncertain Significance. Algorithms developed to predict the effect of missense changes on protein structure and function are either unavailable or do not agree on the potential impact of this missense change (SIFT: "Deleterious"; PolyPhen-2: "Benign"; Align-GVGD: "Class C0"). ClinVar contains an entry for this variant (Variation ID: 850506). This variant has not been reported in the literature in individuals affected with PIGO-related conditions. This variant is present in population databases (rs61746764, gnomAD 0.006%).

NM_032634.4(PIGO):c.2995C>T (p.Arg999Trp)

Gene: PIGO (phosphatidylinositol glycan anchor biosynthesis class O; minus strand). Cytogenetic location: 9p13.3.
Variant type: single nucleotide variant.
Coding change: c.2995C>T on transcript NM_032634.4 (MANE Select); coding-DNA position 2995, C replaced by T.
Protein change: p.Arg999Trp; replaces arginine 999 with tryptophan.
Molecular consequence: missense variant.
Genome position (GRCh38, 1-based): chr9:35,090,140, G>A on the plus strand (C>T on the coding strand, the complement: PIGO is on the minus strand). VCF-style: chr9-35090140-G-A. GRCh37 (hg19) VCF-style: chr9-35090137-G-A.
Other names: c.1744C>T, p.Arg582Trp (NM_001201484.2, NM_152850.4); short protein forms R999W, R582W.
Identifiers: ClinVar variation 850506 (VCV000850506.9), dbSNP rs61746764, ClinGen allele CA5040280.